The following is an entry in ClinVar:

ClinVar aggregate classification (germline): Uncertain significance (1 of 4 stars; one submission).

Submission:

CeGaT Center for Human Genetics Tuebingen
Classification: Uncertain significance. Last evaluated: 2025-01-01. Review status: criteria provided, single submitter. Criteria: CeGaT Center For Human Genetics Tuebingen Variant Classification Criteria Version 2. Collection method: clinical testing. Allele origin: germline. Affected: yes. Observed: 1 variant allele.
Comment: EIF4A2: PM2, PP2

NM_001967.4(EIF4A2):c.523A>G (p.Lys175Glu)

Gene: EIF4A2 (eukaryotic translation initiation factor 4A2; plus strand). Cytogenetic location: 3q27.3.
Variant type: single nucleotide variant.
Coding change: c.523A>G on transcript NM_001967.4 (MANE Select); coding-DNA position 523, A replaced by G.
Protein change: p.Lys175Glu; replaces lysine 175 with glutamic acid.
Molecular consequence: missense variant.
Genome position (GRCh38, 1-based): chr3:186,786,169, A>G. VCF-style: chr3-186786169-A-G. GRCh37 (hg19) VCF-style: chr3-186503958-A-G.
Other names: short protein forms K175E.
Identifiers: ClinVar variation 3772251 (VCV003772251.13).